The following is an entry in ClinVar:

ClinVar aggregate classification (germline): Likely pathogenic. Review status: criteria provided, multiple submitters, no conflicts (2 of 4 stars). 2 submissions from 2 submitters: Likely pathogenic (2). Last evaluated 2021-04-16.

Conditions:
LZTR1-related disorder. Also called: LZTR1-related disorders; LZTR1-related condition.

Submissions (2):

Labcorp Genetics (formerly Invitae), Labcorp
Classification: Likely pathogenic. Last evaluated: 2021-04-16. Review status: criteria provided, single submitter. Criteria: Invitae Variant Classification Sherloc (09022015). Collection method: clinical testing. Allele origin: germline.
Comment: This sequence change affects a donor splice site in intron 18 of the LZTR1 gene. It is expected to disrupt RNA splicing. Variants that disrupt the donor or acceptor splice site typically lead to a loss of protein function (PMID: 16199547), and loss-of-function variants in LZTR1 are known to be pathogenic (PMID: 24362817, 25335493, 25480913, 29469822, 30442762, 30859559). In summary, the currently available evidence indicates that the variant is pathogenic, but additional data are needed to prove that conclusively. Therefore, this variant has been classified as Likely Pathogenic. Algorithms developed to predict the effect of sequence changes on RNA splicing suggest that this variant may disrupt the consensus splice site, but this prediction has not been confirmed by published transcriptional studies. This variant has not been reported in the literature in individuals with LZTR1-related conditions. This variant is not present in population databases (ExAC no frequency).

Blueprint Genetics
Classification: Likely pathogenic for LZTR1-related disorders. Last evaluated: 2019-12-17. Review status: criteria provided, single submitter. Criteria: ACMG Guidelines, 2015. Collection method: clinical testing. Allele origin: germline. Affected: yes. Observed: 1 variant allele.

Literature cited by the submitters: PubMed 16199547 (cited by Labcorp Genetics (formerly Invitae), Labcorp); PubMed 24362817 (cited by Labcorp Genetics (formerly Invitae), Labcorp); PubMed 25335493 (cited by Labcorp Genetics (formerly Invitae), Labcorp); PubMed 25480913 (cited by Labcorp Genetics (formerly Invitae), Labcorp); PubMed 29469822 (cited by Labcorp Genetics (formerly Invitae), Labcorp); PubMed 30442762 (cited by Labcorp Genetics (formerly Invitae), Labcorp); PubMed 30859559 (cited by Labcorp Genetics (formerly Invitae), Labcorp).

NM_006767.4(LZTR1):c.2219+1G>T

Gene: LZTR1 (leucine zipper like post translational regulator 1; plus strand). Cytogenetic location: 22q11.21.
Variant type: single nucleotide variant.
Coding change: c.2219+1G>T on transcript NM_006767.4 (MANE Select); the canonical splice donor site of the intron after coding-DNA position 2219, G replaced by T.
Molecular consequence: splice donor variant.
Genome position (GRCh38, 1-based): chr22:20,996,113, G>T. VCF-style: chr22-20996113-G-T. GRCh37 (hg19) VCF-style: chr22-21350402-G-T.
Identifiers: ClinVar variation 1514193 (VCV001514193.9), dbSNP rs1342909456, ClinGen allele CA410780064.
Genomic context (GRCh38, chr22:20,996,113, plus strand): 5'-CGAGTCCATGCTGCGCTACATCTACTACGGCGAGGTCAACATGCCGCCCGAGGACTCGCT[G>T]CATCCTCACTCCCCAGTGAACTCCCAGGTCCCCACCAAGGGGTCCTGGCACCCACCTCAG-3'